The following is an entry in ClinVar:

ClinVar aggregate classification (germline): Uncertain significance. Review status: criteria provided, multiple submitters, no conflicts (2 of 4 stars). 3 submissions from 3 submitters: Uncertain significance (3). Last evaluated 2026-07-29.

Conditions:
Inborn genetic diseases. Identifiers: MedGen C0950123, MeSH D030342.
Congenital myasthenic syndrome 4A. Also called: Myasthenic syndrome, congenital, 4a, slow-channel; MYASTHENIC SYNDROME, CONGENITAL, 4A, SLOW-CHANNEL, AUTOSOMAL RECESSIVE; CONGENITAL MYASTHENIC SYNDROME TYPE Ia1. Identifiers: Orphanet 590, MedGen C4225413, MONDO:0011600, OMIM 605809.

Allele frequency attached by ClinVar (database versions not stated): ExAC 0.00001; gnomAD 0.00002; gnomAD exomes 0.00001 and below 0.00001; TOPMed 0.00001.
gnomAD v4.1: 22 of 1,610,814 alleles (0.0014%); highest among the groups gnomAD compares: Middle Eastern, 0.016%; no homozygotes.

Submissions (3):

Ambry Genetics
Classification: Uncertain significance for Inborn genetic diseases. Last evaluated: 2026-07-29. Review status: criteria provided, single submitter. Criteria: Ambry Variant Classification Scheme 2023. Collection method: clinical testing. Allele origin: germline.
Comment: The c.1466C>T (p.P489L) alteration is located in exon 12 (coding exon 12) of the CHRNE gene. This alteration results from a C to T substitution at nucleotide position 1466, causing the proline (P) at amino acid position 489 to be replaced by a leucine (L). Based on data from gnomAD, the T allele has an overall frequency of <0.001% (1/242574) total alleles studied. The highest observed frequency was 0.001% (1/109644) of European (non-Finnish) alleles. Based on insufficient or conflicting evidence, the clinical significance of this alteration remains unclear.

Labcorp Genetics (formerly Invitae), Labcorp
Classification: Uncertain significance for Congenital myasthenic syndrome 4A. Last evaluated: 2022-08-30. Review status: criteria provided, single submitter. Criteria: Invitae Variant Classification Sherloc (09022015). Collection method: clinical testing. Allele origin: germline.
Comment: This sequence change replaces proline, which is neutral and non-polar, with leucine, which is neutral and non-polar, at codon 489 of the CHRNE protein (p.Pro489Leu). The frequency data for this variant in the population databases is considered unreliable, as metrics indicate poor data quality at this position in the gnomAD database. This variant has not been reported in the literature in individuals affected with CHRNE-related conditions. ClinVar contains an entry for this variant (Variation ID: 1343761). Advanced modeling of protein sequence and biophysical properties (such as structural, functional, and spatial information, amino acid conservation, physicochemical variation, residue mobility, and thermodynamic stability) performed at Invitae indicates that this missense variant is not expected to disrupt CHRNE protein function. In summary, the available evidence is currently insufficient to determine the role of this variant in disease. Therefore, it has been classified as a Variant of Uncertain Significance.

Women's Health and Genetics/Laboratory Corporation of America, LabCorp
Classification: Uncertain significance. Last evaluated: 2022-02-09. Review status: criteria provided, single submitter. Criteria: LabCorp Variant Classification Summary - May 2015. Collection method: clinical testing. Allele origin: germline.
Comment: Variant summary: CHRNE c.1466C>T (p.Pro489Leu) results in a non-conservative amino acid change in the encoded protein sequence. Three of five in-silico tools predict a benign effect of the variant on protein function. The variant allele was found at a frequency of 4.1e-06 in 242574 control chromosomes (gnomAD). The available data on variant occurrences in the general population are insufficient to allow any conclusion about variant significance. To our knowledge, no occurrence of c.1466C>T in individuals affected with Congenital Myasthenic Syndrome and no experimental evidence demonstrating its impact on protein function have been reported. No clinical diagnostic laboratories have submitted clinical-significance assessments for this variant to ClinVar after 2014. Based on the evidence outlined above, the variant was classified as uncertain significance.

NM_000080.4(CHRNE):c.1466C>T (p.Pro489Leu)

Gene: CHRNE (cholinergic receptor nicotinic epsilon subunit; minus strand). Cytogenetic location: 17p13.2.
Variant type: single nucleotide variant.
Coding change: c.1466C>T on transcript NM_000080.4 (MANE Select); coding-DNA position 1466, C replaced by T.
Protein change: p.Pro489Leu; replaces proline 489 with leucine.
Molecular consequence: missense variant.
Genome position (GRCh38, 1-based): chr17:4,898,752, G>A on the plus strand (C>T on the coding strand, the complement: CHRNE is on the minus strand). VCF-style: chr17-4898752-G-A. GRCh37 (hg19) VCF-style: chr17-4802047-G-A.
Other names: short protein forms P489L.
Identifiers: ClinVar variation 1343761 (VCV001343761.4), dbSNP rs575920043, ClinGen allele CA8313808.